The following is an entry in ClinVar:

ClinVar aggregate classification (germline): Uncertain significance. Review status: criteria provided, multiple submitters, no conflicts (2 of 4 stars). 2 submissions from 2 submitters: Uncertain significance (2). Last evaluated 2024-05-16.

Conditions:
Hereditary spastic paraplegia 30. Identifiers: Orphanet 101010, MedGen C5235139, MONDO:0012476.
Neuropathy, hereditary sensory, type 2C. Also called: KIF1A-Related HSAN2 (HSAN2C); Hereditary sensory and autonomic neuropathy type IIC. Identifiers: Orphanet 970, MedGen C3280168, MONDO:0013634, OMIM 614213.
Intellectual disability, autosomal dominant 9 (NESCAVS). Also called: KIF1A-Related Neurodevelopmental Disorder; NESCAV SYNDROME. Identifiers: Orphanet 662367, MedGen C5393830, MONDO:0013656, OMIM 614255.

Allele frequency attached by ClinVar (database versions not stated): gnomAD 0.00003; gnomAD exomes 0.00001; TOPMed 0.00001; ExAC 0.00002.
gnomAD v4.1: 20 of 1,611,172 alleles (0.0012%); highest among the groups gnomAD compares: East Asian, 0.025%; no homozygotes.

Submissions (2):

Labcorp Genetics (formerly Invitae), Labcorp
Classification: Uncertain significance for Hereditary spastic paraplegia 30; Neuropathy, hereditary sensory, type 2C; Intellectual disability, autosomal dominant 9. Last evaluated: 2024-05-16. Review status: criteria provided, single submitter. Criteria: Invitae Variant Classification Sherloc (09022015). Collection method: clinical testing. Allele origin: germline.
Comment: This sequence change replaces glutamic acid, which is acidic and polar, with lysine, which is basic and polar, at codon 524 of the KIF1A protein (p.Glu524Lys). The frequency data for this variant in the population databases is considered unreliable, as metrics indicate poor data quality at this position in the gnomAD database. This variant has not been reported in the literature in individuals affected with KIF1A-related conditions. ClinVar contains an entry for this variant (Variation ID: 1506701). Advanced modeling of protein sequence and biophysical properties (such as structural, functional, and spatial information, amino acid conservation, physicochemical variation, residue mobility, and thermodynamic stability) performed at Invitae indicates that this missense variant is expected to disrupt KIF1A protein function with a positive predictive value of 80%. In summary, the available evidence is currently insufficient to determine the role of this variant in disease. Therefore, it has been classified as a Variant of Uncertain Significance.

Athena Diagnostics
Classification: Uncertain significance. Last evaluated: 2022-04-29. Review status: criteria provided, single submitter. Criteria: Athena Diagnostics Criteria. Collection method: clinical testing. Allele origin: unknown.

NM_001244008.2(KIF1A):c.1597G>A (p.Glu533Lys)

Gene: KIF1A (kinesin family member 1A; minus strand). Cytogenetic location: 2q37.3.
Variant type: single nucleotide variant.
Coding change: c.1597G>A on transcript NM_001244008.2 (MANE Select); coding-DNA position 1597, G replaced by A.
Protein change: p.Glu533Lys; replaces glutamic acid 533 with lysine.
Molecular consequence: missense variant.
Genome position (GRCh38, 1-based): chr2:240,767,002, C>T on the plus strand (G>A on the coding strand, the complement: KIF1A is on the minus strand). VCF-style: chr2-240767002-C-T. GRCh37 (hg19) VCF-style: chr2-241706419-C-T.
Other names: c.1597G>A, p.Glu533Lys (NM_001320705.2, NM_001330289.2, NM_001379638.1); c.1672G>A, p.Glu558Lys (NM_001330290.2, NM_001379631.1, NM_001379634.1 and 2 more transcripts); c.1570G>A, p.Glu524Lys (NM_001379632.1, NM_001379633.1, NM_001379636.1 and 10 more transcripts); c.1645G>A, p.Glu549Lys (NM_001379637.1, NM_001379648.1); short protein forms E533K, E549K, E524K, E558K.
Identifiers: ClinVar variation 1506701 (VCV001506701.7), dbSNP rs764182180, ClinGen allele CA2208329.